The following is an entry in ClinVar:

ClinVar aggregate classification (germline): Uncertain significance (1 of 4 stars; one submission).

Allele frequency attached by ClinVar (database versions not stated): gnomAD exomes below 0.00001.

Submission:

Labcorp Genetics (formerly Invitae), Labcorp
Classification: Uncertain significance. Last evaluated: 2022-11-08. Review status: criteria provided, single submitter. Criteria: Invitae Variant Classification Sherloc (09022015). Collection method: clinical testing. Allele origin: germline.
Comment: Experimental studies and prediction algorithms are not available or were not evaluated, and the functional significance of this variant is currently unknown. In summary, the available evidence is currently insufficient to determine the role of this variant in disease. Therefore, it has been classified as a Variant of Uncertain Significance. ClinVar contains an entry for this variant (Variation ID: 1416674). This variant has not been reported in the literature in individuals affected with TUBGCP6-related conditions. This variant is not present in population databases (gnomAD no frequency). This variant, c.4253_4261del, is a complex sequence change that results in the deletion of 4 and insertion of 1 amino acid(s) in the TUBGCP6 protein (p.Tyr1418_Gly1421delinsCys).

NM_020461.4(TUBGCP6):c.4253_4261del (p.Tyr1418_Gly1421delinsCys)

Gene: TUBGCP6 (tubulin gamma complex component 6; minus strand). Cytogenetic location: 22q13.33.
Variant type: Deletion.
Coding change: c.4253_4261del on transcript NM_020461.4 (MANE Select); coding-DNA positions 4253 to 4261, 9 bases deleted (ACCTGGCAG; older notation c.4253_4261delACCTGGCAG).
Protein change: p.Tyr1418_Gly1421delinsCys.
Molecular consequence: inframe indel.
Genome position (GRCh38, 1-based): chr22:50,219,698-50,219,706, CTGCCAGGT deleted on the plus strand (ACCTGGCAG on the coding strand, the reverse complement: TUBGCP6 is on the minus strand). VCF-style (leftmost placement, unchanged base first): chr22-50219697-CCTGCCAGGT-C. GRCh37 (hg19) VCF-style: chr22-50658126-CCTGCCAGGT-C.
Identifiers: ClinVar variation 1416674 (VCV001416674.8), dbSNP rs2147175195, ClinGen allele CA2573158247.